The following is an entry in ClinVar:

ClinVar aggregate classification (germline): Uncertain significance (1 of 4 stars; one submission).

Allele frequency attached by ClinVar (database versions not stated): ExAC 0.00001; gnomAD 0.00001; gnomAD exomes 0.00001; TOPMed 0.00001.
gnomAD v4.1: 20 of 1,609,770 alleles (0.0012%); highest among the groups gnomAD compares: Non-Finnish European, 0.0017%; no homozygotes.

Submission:

Labcorp Genetics (formerly Invitae), Labcorp
Classification: Uncertain significance. Last evaluated: 2022-09-17. Review status: criteria provided, single submitter. Criteria: Invitae Variant Classification Sherloc (09022015). Collection method: clinical testing. Allele origin: germline.
Comment: This sequence change replaces serine, which is neutral and polar, with arginine, which is basic and polar, at codon 831 of the KAT6A protein (p.Ser831Arg). This variant is present in population databases (rs577874110, gnomAD 0.002%). This variant has not been reported in the literature in individuals affected with KAT6A-related conditions. Advanced modeling of protein sequence and biophysical properties (such as structural, functional, and spatial information, amino acid conservation, physicochemical variation, residue mobility, and thermodynamic stability) performed at Invitae indicates that this missense variant is not expected to disrupt KAT6A protein function. In summary, the available evidence is currently insufficient to determine the role of this variant in disease. Therefore, it has been classified as a Variant of Uncertain Significance.

NM_006766.5(KAT6A):c.2493T>G (p.Ser831Arg)

Gene: KAT6A (lysine acetyltransferase 6A; minus strand). Cytogenetic location: 8p11.21.
Variant type: single nucleotide variant.
Coding change: c.2493T>G on transcript NM_006766.5 (MANE Select); coding-DNA position 2493, T replaced by G.
Protein change: p.Ser831Arg; replaces serine 831 with arginine.
Molecular consequence: missense variant.
Genome position (GRCh38, 1-based): chr8:41,941,388, A>C on the plus strand (T>G on the coding strand, the complement: KAT6A is on the minus strand). VCF-style: chr8-41941388-A-C. GRCh37 (hg19) VCF-style: chr8-41798906-A-C.
Other names: short protein forms S831R.
Identifiers: ClinVar variation 1907237 (VCV001907237.5), dbSNP rs577874110, ClinGen allele CA4729888.